The following is an entry in ClinVar:

ClinVar aggregate classification (germline): Uncertain significance (1 of 4 stars; one submission).

Conditions:
Ehlers-Danlos syndrome, type 4 (EDSVASC). Also called: Ehlers-Danlos syndrome vascular type; Ehlers Danlos syndrome, ecchymotic type; Ehlers Danlos syndrome, arterial type; Ehlers Danlos syndrome, Sack-Barabas type; Ehlers-Danlos Syndrome Type IV. Identifiers: Orphanet 286, MedGen C0268338, MONDO:0017314, OMIM 130050.

Submission:

Labcorp Genetics (formerly Invitae), Labcorp
Classification: Uncertain significance for Ehlers-Danlos syndrome, type 4. Last evaluated: 2024-01-25. Review status: criteria provided, single submitter. Criteria: Invitae Variant Classification Sherloc (09022015). Collection method: clinical testing. Allele origin: germline.
Comment: This sequence change replaces lysine, which is basic and polar, with arginine, which is basic and polar, at codon 674 of the COL3A1 protein (p.Lys674Arg). This variant is not present in population databases (gnomAD no frequency). This variant has not been reported in the literature in individuals affected with COL3A1-related conditions. Experimental studies and prediction algorithms are not available or were not evaluated, and the functional significance of this variant is currently unknown. Algorithms developed to predict the effect of sequence changes on RNA splicing suggest that this variant may disrupt the consensus splice site. In summary, the available evidence is currently insufficient to determine the role of this variant in disease. Therefore, it has been classified as a Variant of Uncertain Significance.

NM_000090.4(COL3A1):c.2021A>G (p.Lys674Arg)

Gene: COL3A1 (collagen type III alpha 1 chain; plus strand). Cytogenetic location: 2q32.2.
Variant type: single nucleotide variant.
Coding change: c.2021A>G on transcript NM_000090.4 (MANE Select); coding-DNA position 2021, A replaced by G.
Protein change: p.Lys674Arg; replaces lysine 674 with arginine.
Molecular consequence: missense variant.
Genome position (GRCh38, 1-based): chr2:188,998,717, A>G. VCF-style: chr2-188998717-A-G. GRCh37 (hg19) VCF-style: chr2-189863443-A-G.
Other names: short protein forms K674R.
Identifiers: ClinVar variation 2908935 (VCV002908935.3), dbSNP rs2469142031, ClinGen allele CA349854476.
Genomic context (GRCh38, chr2:188,998,717, plus strand): 5'-TAATGCCAATCTCCCAGGGTCCAAAGGGTGATGCCGGTGCACCTGGAGCTCCAGGAGGCA[A>G]GGTAGTATTTCAATTTATTCTCTACCTTCTTCAGCAGGTTATAGAGCAATTGATTAGTAG-3'
Protein context (NP_000081.2, residues 664-684): DAGAPGAPGG[Lys674Arg]GDAGAPGERG